The following is an entry in ClinVar:

ClinVar aggregate classification (germline): Uncertain significance (1 of 4 stars; one submission).

Allele frequency attached by ClinVar (database versions not stated): gnomAD 0.00003; TOPMed 0.00003.
gnomAD v4.1: 4 of 1,613,880 alleles (0.00025%); highest among the groups gnomAD compares: African/African-American, 0.0053%; no homozygotes.

Submission:

Labcorp Genetics (formerly Invitae), Labcorp
Classification: Uncertain significance. Last evaluated: 2022-04-29. Review status: criteria provided, single submitter. Criteria: Invitae Variant Classification Sherloc (09022015). Collection method: clinical testing. Allele origin: germline.
Comment: This variant has not been reported in the literature in individuals affected with LRIT3-related conditions. Algorithms developed to predict the effect of missense changes on protein structure and function (SIFT, PolyPhen-2, Align-GVGD) all suggest that this variant is likely to be tolerated. This variant is present in population databases (no rsID available, gnomAD 0.02%). In summary, the available evidence is currently insufficient to determine the role of this variant in disease. Therefore, it has been classified as a Variant of Uncertain Significance. This sequence change replaces phenylalanine, which is neutral and non-polar, with leucine, which is neutral and non-polar, at codon 391 of the LRIT3 protein (p.Phe391Leu).

NM_198506.5(LRIT3):c.1171T>C (p.Phe391Leu)

Gene: LRIT3 (leucine rich repeat, Ig-like and transmembrane domains 3; plus strand). Cytogenetic location: 4q25.
Variant type: single nucleotide variant.
Coding change: c.1171T>C on transcript NM_198506.5 (MANE Select); coding-DNA position 1171, T replaced by C.
Protein change: p.Phe391Leu; replaces phenylalanine 391 with leucine.
Molecular consequence: missense variant.
Genome position (GRCh38, 1-based): chr4:109,869,920, T>C. VCF-style: chr4-109869920-T-C. GRCh37 (hg19) VCF-style: chr4-110791076-T-C.
Other names: short protein forms F391L.
Identifiers: ClinVar variation 2131665 (VCV002131665.4), dbSNP rs1353785040, ClinGen allele CA357870442.